The following is an entry in ClinVar:

NM_001009999.3(KDM1A):c.452T>A (p.Leu151His)

Gene: KDM1A (lysine demethylase 1A; plus strand). Cytogenetic location: 1p36.12.
Variant type: single nucleotide variant.
Coding change: c.452T>A on transcript NM_001009999.3 (MANE Select); coding-DNA position 452, T replaced by A.
Protein change: p.Leu151His; replaces leucine 151 with histidine.
Molecular consequence: missense variant.
Genome position (GRCh38, 1-based): chr1:23,030,569, T>A. VCF-style: chr1-23030569-T-A. GRCh37 (hg19) VCF-style: chr1-23357062-T-A.
Other names: c.452T>A, p.Leu151His (NM_001363654.2, NM_001410762.1, NM_001410763.1 and 1 more transcripts); short protein forms L151H.
Identifiers: ClinVar variation 4826114 (VCV004826114.1).

ClinVar aggregate classification (germline): Uncertain significance (1 of 4 stars; one submission).

Conditions:
Inborn genetic diseases. Identifiers: MedGen C0950123, MeSH D030342.

Submission:

Ambry Genetics
Classification: Uncertain significance for Inborn genetic diseases. Last evaluated: 2026-03-06. Review status: criteria provided, single submitter. Criteria: Ambry Variant Classification Scheme 2023. Collection method: clinical testing. Allele origin: germline.
Comment: The p.L151H variant (also known as c.452T>A), located in coding exon 2 of the KDM1A gene, results from a T to A substitution at nucleotide position 452. The leucine at codon 151 is replaced by histidine, an amino acid with similar properties. This amino acid position is conserved. In addition, this alteration is predicted to be tolerated by in silico analysis. Based on the available evidence, the clinical significance of this variant remains unclear.